The following is an entry in ClinVar:

NM_003001.5(SDHC):c.155T>C (p.Leu52Pro)

Gene: SDHC (succinate dehydrogenase complex subunit C; plus strand). Cytogenetic location: 1q23.3.
Variant type: single nucleotide variant.
Coding change: c.155T>C on transcript NM_003001.5 (MANE Select); coding-DNA position 155, T replaced by C.
Protein change: p.Leu52Pro; replaces leucine 52 with proline.
Molecular consequence: missense variant. On other transcripts: non-coding transcript variant (1), intron variant (4).
Genome position (GRCh38, 1-based): chr1:161,328,473, T>C. VCF-style: chr1-161328473-T-C. GRCh37 (hg19) VCF-style: chr1-161298263-T-C.
Other names: c.155T>C, p.Leu52Pro (NM_001035511.3, NM_001407115.1); c.98T>C, p.Leu33Pro (NM_001407116.1, NM_001407117.1, NM_001407121.1); c.44T>C, p.Leu15Pro (NM_001407119.1, NM_001407120.1); c.77+4803T>C (NM_001035512.3, NM_001278172.3, NM_001407118.1); c.21-12121T>C (NM_001035513.3); short protein forms L15P, L33P, L52P.
Identifiers: ClinVar variation 3757979 (VCV003757979.2).

ClinVar aggregate classification (germline): Uncertain significance (1 of 4 stars; one submission).

Conditions:
Gastrointestinal stromal tumor. Also called: Gastrointestinal stromal tumor, somatic; Gastrointestinal stroma tumor. Identifiers: Orphanet 44890, MedGen C0238198, MeSH D046152, MONDO:0011719, OMIM 606764, HP:0100723.
Pheochromocytoma/paraganglioma syndrome 3. Also called: GLOMUS TUMORS, FAMILIAL, 3; Paragangliomas 3; SDHC-Related Hereditary Paraganglioma-Pheochromocytoma Syndrome (Paragangliomas 3); SDHC-Related Hereditary Paraganglioma-Pheochromocytoma Syndrome. Identifiers: Orphanet 29072, MedGen C1854336, MONDO:0011544, OMIM 605373.

Submission:

Labcorp Genetics (formerly Invitae), Labcorp
Classification: Uncertain significance for Pheochromocytoma/paraganglioma syndrome 3; Gastrointestinal stromal tumor. Last evaluated: 2024-10-06. Review status: criteria provided, single submitter. Criteria: Invitae Variant Classification Sherloc (09022015). Collection method: clinical testing. Allele origin: germline.
Comment: This sequence change replaces leucine, which is neutral and non-polar, with proline, which is neutral and non-polar, at codon 52 of the SDHC protein (p.Leu52Pro). This variant is not present in population databases (gnomAD no frequency). This variant has not been reported in the literature in individuals affected with SDHC-related conditions. Invitae Evidence Modeling of protein sequence and biophysical properties (such as structural, functional, and spatial information, amino acid conservation, physicochemical variation, residue mobility, and thermodynamic stability) indicates that this missense variant is expected to disrupt SDHC protein function with a positive predictive value of 95%. In summary, the available evidence is currently insufficient to determine the role of this variant in disease. Therefore, it has been classified as a Variant of Uncertain Significance.